The following is an entry in ClinVar:

ClinVar aggregate classification (germline): Uncertain significance (1 of 4 stars; one submission).

Conditions:
Catecholaminergic polymorphic ventricular tachycardia 1. Also called: RYR2-Related Catecholaminergic Polymorphic Ventricular Tachycardia; VENTRICULAR TACHYCARDIA, CATECHOLAMINERGIC POLYMORPHIC, 1, WITH OR WITHOUT ATRIAL DYSFUNCTION AND/OR DILATED CARDIOMYOPATHY; VENTRICULAR TACHYCARDIA, STRESS-INDUCED POLYMORPHIC 1. Identifiers: Orphanet 3286, MedGen C1631597, MONDO:0011484, OMIM 604772.

Submission:

Labcorp Genetics (formerly Invitae), Labcorp
Classification: Uncertain significance for Catecholaminergic polymorphic ventricular tachycardia 1. Last evaluated: 2026-01-09. Review status: criteria provided, single submitter. Criteria: Invitae Variant Classification Sherloc (09022015). Collection method: clinical testing. Allele origin: germline.
Comment: This sequence change replaces serine, which is neutral and polar, with glycine, which is neutral and non-polar, at codon 126 of the RYR2 protein (p.Ser126Gly). This variant is not present in population databases (gnomAD no frequency). This variant has not been reported in the literature in individuals affected with RYR2-related conditions. Invitae Evidence Modeling of protein sequence and biophysical properties (such as structural, functional, and spatial information, amino acid conservation, physicochemical variation, residue mobility, and thermodynamic stability) indicates that this missense variant is expected to disrupt RYR2 protein function with a positive predictive value of 95%. In summary, the available evidence is currently insufficient to determine the role of this variant in disease. Therefore, it has been classified as a Variant of Uncertain Significance.

NM_001035.3(RYR2):c.376A>G (p.Ser126Gly)

Gene: RYR2 (ryanodine receptor 2; plus strand). Cytogenetic location: 1q43.
Variant type: single nucleotide variant.
Coding change: c.376A>G on transcript NM_001035.3 (MANE Select); coding-DNA position 376, A replaced by G.
Protein change: p.Ser126Gly; replaces serine 126 with glycine.
Molecular consequence: missense variant.
Genome position (GRCh38, 1-based): chr1:237,369,600, A>G. VCF-style: chr1-237369600-A-G. GRCh37 (hg19) VCF-style: chr1-237532900-A-G.
Other names: short protein forms S126G.
Identifiers: ClinVar variation 4705984 (VCV004705984.1).